The following is an entry in ClinVar:

ClinVar aggregate classification (germline): Uncertain significance (1 of 4 stars; one submission).

Conditions:
Short-rib thoracic dysplasia 11 with or without polydactyly (SRTD11). Also called: SHORT-RIB THORACIC DYSPLASIA 11 WITHOUT POLYDACTYLY. Identifiers: Orphanet 474, Orphanet 93271, MedGen C3810200, MONDO:0014287, OMIM 615633.

Allele frequency attached by ClinVar (database versions not stated): gnomAD 0.00001; gnomAD exomes 0.00001; TOPMed 0.00001; ExAC 0.00002.
gnomAD v4.1: 5 of 1,612,764 alleles (0.00031%); highest among the groups gnomAD compares: Non-Finnish European, 0.00042%; no homozygotes.

Submission:

Labcorp Genetics (formerly Invitae), Labcorp
Classification: Uncertain significance for Short-rib thoracic dysplasia 11 with or without polydactyly. Last evaluated: 2024-10-21. Review status: criteria provided, single submitter. Criteria: Invitae Variant Classification Sherloc (09022015). Collection method: clinical testing. Allele origin: germline.
Comment: This sequence change replaces glycine, which is neutral and non-polar, with serine, which is neutral and polar, at codon 336 of the WDR34 protein (p.Gly336Ser). This variant is present in population databases (rs771610840, gnomAD 0.003%). This variant has not been reported in the literature in individuals affected with WDR34-related conditions. ClinVar contains an entry for this variant (Variation ID: 1681209). An algorithm developed to predict the effect of missense changes on protein structure and function (PolyPhen-2) suggests that this variant is likely to be disruptive. In summary, the available evidence is currently insufficient to determine the role of this variant in disease. Therefore, it has been classified as a Variant of Uncertain Significance.

NM_052844.4(DYNC2I2):c.1006G>A (p.Gly336Ser)

Genes: DYNC2I2 (dynein 2 intermediate chain 2; minus strand), LOC126860772 (CDK7 strongly-dependent group 2 enhancer GRCh37_chr9:131396972-131398171; plus strand). Cytogenetic location: 9q34.11.
Variant type: single nucleotide variant.
Coding change: c.1006G>A on transcript NM_052844.4 (MANE Select); coding-DNA position 1006, G replaced by A.
Protein change: p.Gly336Ser; replaces glycine 336 with serine.
Molecular consequence: missense variant.
Genome position (GRCh38, 1-based): chr9:128,634,897, C>T on the plus strand (G>A on the coding strand, the complement: DYNC2I2 is on the minus strand). VCF-style: chr9-128634897-C-T. GRCh37 (hg19) VCF-style: chr9-131397176-C-T.
Other names: short protein forms G336S.
Identifiers: ClinVar variation 1681209 (VCV001681209.5), dbSNP rs771610840, ClinGen allele CA5266366.